The following is an entry in ClinVar:

NM_001111.5(ADAR):c.*413A>T

Gene: ADAR (adenosine deaminase RNA specific; minus strand). Cytogenetic location: 1q21.3.
Variant type: single nucleotide variant.
Coding change: c.*413A>T on transcript NM_001111.5 (MANE Select); 413 bases downstream of the stop codon, A replaced by T.
Molecular consequence: 3 prime UTR variant.
Genome position (GRCh38, 1-based): chr1:154,584,393, T>A on the plus strand (A>T on the coding strand, the complement: ADAR is on the minus strand). VCF-style: chr1-154584393-T-A. GRCh37 (hg19) VCF-style: chr1-154556869-T-A.
Other names: c.*413A>T (LRG_1212t1, NM_001025107.3, NM_001193495.2 and 7 more transcripts).
Identifiers: ClinVar variation 292747 (VCV000292747.6), dbSNP rs115205788, ClinGen allele CA10608247.

ClinVar aggregate classification (germline): Benign. Review status: criteria provided, multiple submitters, no conflicts (2 of 4 stars). 2 submissions from 2 submitters: Benign (2). Last evaluated 2018-01-12.

Conditions:
Symmetrical dyschromatosis of extremities (DSH). Also called: Dyschromatosis symmetrica hereditaria; DYSCHROMATOSIS SYMMETRICA HEREDITARIA 1; RETICULATE ACROPIGMENTATION OF DOHI; SYMMETRIC DYSCHROMATOSIS OF THE EXTREMITIES. Identifiers: Orphanet 41, MedGen C0406775, MONDO:0007483, OMIM 127400.

Allele frequency attached by ClinVar (database versions not stated): gnomAD exomes 0.00017; gnomAD 0.00352 and 0.00367; 1000 Genomes Project 0.00579; 1000 Genomes Project 30x 0.00515; TOPMed 0.00404.
gnomAD v4.1: 532 of 177,186 alleles (0.3%); highest among the groups gnomAD compares: African/African-American, 1.2%; 2 homozygotes.

Submissions (2):

Illumina Laboratory Services, Illumina
Classification: Benign for Symmetrical dyschromatosis of extremities. Last evaluated: 2018-01-12. Review status: criteria provided, single submitter. Criteria: ICSL Variant Classification Criteria 13 December 2019. Collection method: clinical testing. Allele origin: germline.
Comment: This variant was observed in the ICSL laboratory as part of a predisposition screen in an ostensibly healthy population. It had not been previously curated by ICSL or reported in the Human Gene Mutation Database (HGMD: prior to June 1st, 2018), and was therefore a candidate for classification through an automated scoring system. Utilizing variant allele frequency, disease prevalence and penetrance estimates, and inheritance mode, an automated score was calculated to assess if this variant is too frequent to cause the disease. Based on the score and internal cut-off values, a variant classified as benign is not then subjected to further curation. The score for this variant resulted in a classification of benign for this disease.

Breakthrough Genomics
Classification: Benign. Review status: criteria provided, single submitter. Criteria: ACMG Guidelines, 2015. Collection method: not provided. Allele origin: germline. Inheritance: Autosomal recessive inheritance. Affected: yes.